The following is an entry in ClinVar:

ClinVar aggregate classification (germline): Uncertain significance (1 of 4 stars; one submission).

Submission:

Labcorp Genetics (formerly Invitae), Labcorp
Classification: Uncertain significance. Last evaluated: 2025-12-08. Review status: criteria provided, single submitter. Criteria: Invitae Variant Classification Sherloc (09022015). Collection method: clinical testing. Allele origin: germline.
Comment: This sequence change falls in intron 15 of the CENPJ gene. It does not directly change the encoded amino acid sequence of the CENPJ protein. It affects a nucleotide within the consensus splice site. This variant is not present in population databases (gnomAD no frequency). This variant has not been reported in the literature in individuals affected with CENPJ-related conditions. Variants that disrupt the consensus splice site are a relatively common cause of aberrant splicing (PMID: 17576681, 9536098). Algorithms developed to predict the effect of sequence changes on RNA splicing suggest that this variant may disrupt the consensus splice site. In summary, the available evidence is currently insufficient to determine the role of this variant in disease. Therefore, it has been classified as a Variant of Uncertain Significance.

Literature cited by the submitters: PubMed 17576681; PubMed 9536098.

NM_018451.5(CPAP):c.3704-3C>A

Genes: CPAP (centrosome assembly and centriole elongation protein; minus strand), RNF17 (ring finger protein 17; plus strand). Cytogenetic location: 13q12.12.
Variant type: single nucleotide variant.
Coding change: c.3704-3C>A on transcript NM_018451.5 (MANE Select); 3 bases into the intron before coding-DNA position 3704, C replaced by A.
Molecular consequence: intron variant.
Genome position (GRCh38, 1-based): chr13:24,884,086, G>T on the plus strand (C>A on the coding strand, the complement: CPAP is on the minus strand). VCF-style: chr13-24884086-G-T. GRCh37 (hg19) VCF-style: chr13-25458224-G-T.
Identifiers: ClinVar variation 4728923 (VCV004728923.1).